The following is an entry in ClinVar:

ClinVar aggregate classification (germline): Uncertain significance (1 of 4 stars; one submission).

gnomAD v4.1: 1 of 1,613,854 alleles (0.000062%); highest among the groups gnomAD compares: African/African-American, 0.0013%; no homozygotes.

Submission:

Labcorp Genetics (formerly Invitae), Labcorp
Classification: Uncertain significance. Last evaluated: 2022-06-23. Review status: criteria provided, single submitter. Criteria: Invitae Variant Classification Sherloc (09022015). Collection method: clinical testing. Allele origin: germline.
Comment: This sequence change replaces threonine, which is neutral and polar, with arginine, which is basic and polar, at codon 3458 of the USH2A protein (p.Thr3458Arg). This variant is present in population databases (no rsID available, gnomAD 0.01%). This variant has not been reported in the literature in individuals affected with USH2A-related conditions. Algorithms developed to predict the effect of missense changes on protein structure and function output the following: SIFT: "Deleterious"; PolyPhen-2: "Benign"; Align-GVGD: "Class C0". The arginine amino acid residue is found in multiple mammalian species, which suggests that this missense change does not adversely affect protein function. In summary, the available evidence is currently insufficient to determine the role of this variant in disease. Therefore, it has been classified as a Variant of Uncertain Significance.

NM_206933.4(USH2A):c.10373C>G (p.Thr3458Arg)

Gene: USH2A (usherin; minus strand). Cytogenetic location: 1q41.
Variant type: single nucleotide variant.
Coding change: c.10373C>G on transcript NM_206933.4 (MANE Select); coding-DNA position 10373, C replaced by G.
Protein change: p.Thr3458Arg; replaces threonine 3458 with arginine.
Molecular consequence: missense variant.
Genome position (GRCh38, 1-based): chr1:215,786,684, G>C on the plus strand (C>G on the coding strand, the complement: USH2A is on the minus strand). VCF-style: chr1-215786684-G-C. GRCh37 (hg19) VCF-style: chr1-215960026-G-C.
Other names: short protein forms T3458R.
Identifiers: ClinVar variation 2097088 (VCV002097088.4), dbSNP rs149485593, ClinGen allele CA344839579.